The following is an entry in ClinVar:

NM_001571.6(IRF3):c.854G>A (p.Arg285Gln)

Gene: IRF3 (interferon regulatory factor 3; minus strand). Cytogenetic location: 19q13.33.
Variant type: single nucleotide variant.
Coding change: c.854G>A on transcript NM_001571.6 (MANE Select); coding-DNA position 854, G replaced by A.
Protein change: p.Arg285Gln; replaces arginine 285 with glutamine.
Molecular consequence: missense variant. On other transcripts: non-coding transcript variant (1), intron variant (3).
Genome position (GRCh38, 1-based): chr19:49,662,076, C>T on the plus strand (G>A on the coding strand, the complement: IRF3 is on the minus strand). VCF-style: chr19-49662076-C-T. GRCh37 (hg19) VCF-style: chr19-50165333-C-T.
Other names: c.854G>A, p.Arg285Gln (NM_001197122.2); c.749G>A, p.Arg250Gln (NM_001197123.2); c.416G>A, p.Arg139Gln (NM_001197125.2, NM_001197126.2); c.163+349G>A (NM_001197128.2, NM_001197127.2); c.601+349G>A (NM_001197124.2); short protein forms R285Q, R139Q, R250Q.
Identifiers: ClinVar variation 208454 (VCV000208454.3), dbSNP rs750526659, ClinGen allele CA204455.

ClinVar aggregate classification (germline): Uncertain significance; risk factor. Review status: no assertion criteria provided (0 of 4 stars). 2 submissions from 2 submitters: Uncertain significance (1). Last evaluated 2024-08-22.

Conditions:
IRF3-related disorder. Also called: IRF3-related condition.
Encephalopathy, acute, infection-induced (herpes-specific), susceptibility to, 7 (IIAE7). Identifiers: Orphanet 1930, MedGen C4225294, MONDO:0014680, OMIM 616532.

Allele frequency attached by ClinVar (database versions not stated): gnomAD 0.00001 and 0.00002; TOPMed 0.00001; gnomAD exomes 0.00002 and 0.00004; ExAC 0.00007.

Submissions (2):

PreventionGenetics, part of Exact Sciences
Classification: Uncertain significance for IRF3-related condition. Last evaluated: 2024-08-22. Review status: no assertion criteria provided. Collection method: clinical testing. Allele origin: germline.
Comment: The IRF3 c.854G>A variant is predicted to result in the amino acid substitution p.Arg285Gln. This variant is reported in 0.0078% of alleles in individuals of European (Non-Finnish) descent in gnomAD. At this time, the clinical significance of this variant is uncertain due to the absence of conclusive functional and genetic evidence.

OMIM
Classification: risk factor for ENCEPHALOPATHY, ACUTE, INFECTION-INDUCED (HERPES-SPECIFIC), SUSCEPTIBILITY TO, 7. Last evaluated: 2015-08-24. Review status: no assertion criteria provided. Collection method: literature only. Allele origin: germline.

Literature cited by the submitters: PubMed 26216125 (cited by OMIM); PubMed 26513235 (cited by OMIM).